The following is an entry in ClinVar:

NM_000094.4(COL7A1):c.5476C>T (p.Pro1826Ser)

Gene: COL7A1 (collagen type VII alpha 1 chain; minus strand). Cytogenetic location: 3p21.31.
Variant type: single nucleotide variant.
Coding change: c.5476C>T on transcript NM_000094.4 (MANE Select); coding-DNA position 5476, C replaced by T.
Protein change: p.Pro1826Ser; replaces proline 1826 with serine.
Molecular consequence: missense variant.
Genome position (GRCh38, 1-based): chr3:48,578,464, G>A on the plus strand (C>T on the coding strand, the complement: COL7A1 is on the minus strand). VCF-style: chr3-48578464-G-A. GRCh37 (hg19) VCF-style: chr3-48615897-G-A.
Other names: short protein forms P1826S.
Identifiers: ClinVar variation 1313844 (VCV001313844.2), dbSNP rs2107692007, ClinGen allele CA352672496.

ClinVar aggregate classification (germline): Uncertain significance (1 of 4 stars; one submission).

Submission:

GeneDx
Classification: Uncertain significance. Last evaluated: 2020-12-30. Review status: criteria provided, single submitter. Criteria: GeneDx Variant Classification Process June 2021. Collection method: clinical testing. Allele origin: germline. Affected: yes.
Comment: Not observed in large population cohorts (Lek et al., 2016); In silico analysis supports that this missense variant does not alter protein structure/function; Has not been previously published as pathogenic or benign to our knowledge